The following is an entry in ClinVar:

NM_004366.6(CLCN2):c.1443C>T (p.Phe481=)

Gene: CLCN2 (chloride voltage-gated channel 2; minus strand). Cytogenetic location: 3q27.1.
Variant type: single nucleotide variant.
Coding change: c.1443C>T on transcript NM_004366.6 (MANE Select); coding-DNA position 1443, C replaced by T.
Protein change: p.Phe481=; no amino-acid change (phenylalanine 481 retained).
Molecular consequence: synonymous variant. On other transcripts: intron variant (1).
Genome position (GRCh38, 1-based): chr3:184,354,612, G>A on the plus strand (C>T on the coding strand, the complement: CLCN2 is on the minus strand). VCF-style: chr3-184354612-G-A. GRCh37 (hg19) VCF-style: chr3-184072400-G-A.
Other names: c.1311C>T, p.Phe437= (NM_001171088.3); c.1443C>T, p.Phe481= (NM_001171089.3); c.1397-5C>T (NM_001171087.3).
Identifiers: ClinVar variation 3009160 (VCV003009160.3), dbSNP rs897101997, ClinGen allele CA88895171.

ClinVar aggregate classification (germline): Uncertain significance (1 of 4 stars; one submission).

Allele frequency attached by ClinVar (database versions not stated): gnomAD 0.00001.

Submission:

Labcorp Genetics (formerly Invitae), Labcorp
Classification: Uncertain significance. Last evaluated: 2022-10-21. Review status: criteria provided, single submitter. Criteria: Invitae Variant Classification Sherloc (09022015). Collection method: clinical testing. Allele origin: germline.
Comment: This variant has not been reported in the literature in individuals affected with CLCN2-related conditions. Algorithms developed to predict the effect of sequence changes on RNA splicing suggest that this variant may create or strengthen a splice site. In summary, the available evidence is currently insufficient to determine the role of this variant in disease. Therefore, it has been classified as a Variant of Uncertain Significance. This variant is not present in population databases (gnomAD no frequency). This sequence change affects codon 481 of the CLCN2 mRNA. It is a 'silent' change, meaning that it does not change the encoded amino acid sequence of the CLCN2 protein.